The following is an entry in ClinVar:

NM_001003694.2(BRPF1):c.3067A>G (p.Ser1023Gly)

Gene: BRPF1 (bromodomain and PHD finger containing 1; plus strand). Cytogenetic location: 3p25.3.
Variant type: single nucleotide variant.
Coding change: c.3067A>G on transcript NM_001003694.2 (MANE Select); coding-DNA position 3067, A replaced by G.
Protein change: p.Ser1023Gly; replaces serine 1023 with glycine.
Molecular consequence: missense variant. On other transcripts: non-coding transcript variant (1).
Genome position (GRCh38, 1-based): chr3:9,745,154, A>G. VCF-style: chr3-9745154-A-G. GRCh37 (hg19) VCF-style: chr3-9786838-A-G.
Other names: c.2764A>G, p.Ser922Gly (NM_001319049.2); c.3046A>G, p.Ser1016Gly (NM_001319050.2); c.3049A>G, p.Ser1017Gly (NM_004634.3); short protein forms S1016G, S1017G, S1023G, S922G.
Identifiers: ClinVar variation 1303961 (VCV001303961.2), dbSNP rs2125513589, ClinGen allele CA351703150.

ClinVar aggregate classification (germline): Uncertain significance (1 of 4 stars; one submission).

Allele frequency attached by ClinVar (database versions not stated): gnomAD exomes below 0.00001.
gnomAD v4.1: 1 of 1,613,828 alleles (0.000062%); highest among the groups gnomAD compares: Non-Finnish European, 0.000085%; no homozygotes.

Submission:

GeneDx
Classification: Uncertain significance. Last evaluated: 2020-03-09. Review status: criteria provided, single submitter. Criteria: GeneDx Variant Classification Process June 2021. Collection method: clinical testing. Allele origin: germline. Affected: yes.
Comment: Not observed in large population cohorts (Lek et al., 2016); In silico analysis supports that this missense variant has a deleterious effect on protein structure/function; Has not been previously published as pathogenic or benign to our knowledge